The following is an entry in ClinVar:

ClinVar aggregate classification (germline): Pathogenic (1 of 4 stars; one submission).

Conditions:
Cardiovascular phenotype. Identifiers: MedGen CN230736.
Hereditary cancer-predisposing syndrome. Also called: Neoplastic Syndromes, Hereditary; Tumor predisposition; Hereditary Cancer Syndrome; Hereditary neoplastic syndrome. Identifiers: Orphanet 140162, MedGen C0027672, MeSH D009386, MONDO:0015356.

Submission:

Ambry Genetics
Classification: Pathogenic for Cardiovascular phenotype; Hereditary cancer-predisposing syndrome. Last evaluated: 2026-03-25. Review status: criteria provided, single submitter. Criteria: Ambry Variant Classification Scheme 2023. Collection method: clinical testing. Allele origin: germline.
Comment: The c.2337delA pathogenic mutation, located in coding exon 20 of the LZTR1 gene, results from a deletion of one nucleotide at nucleotide position 2337, causing a translational frameshift with a predicted alternate stop codon (p.A780Lfs*9). This variant occurs at the 3' terminus of the gene, is not expected to trigger nonsense-mediated mRNA decay, and impacts the last 7.1% of the protein. However, premature stop codons are typically deleterious in nature and the impacted region is critical for protein function (Ambry internal data). This variant is considered to be rare based on population cohorts in the Genome Aggregation Database (gnomAD). Based on the supporting evidence, this variant is pathogenic for an increased risk of LZTR1-related schwannomatosis (SWN) and would be expected to cause autosomal recessive Noonan syndrome when present along with a second pathogenic or likely pathogenic variant on the other allele; however, its clinical significance for autosomal dominant Noonan syndrome is uncertain.

NM_006767.4(LZTR1):c.2337del (p.Ala780fs)

Gene: LZTR1 (leucine zipper like post translational regulator 1; plus strand). Cytogenetic location: 22q11.21.
Variant type: Deletion.
Coding change: c.2337del on transcript NM_006767.4 (MANE Select); coding-DNA position 2337, one base deleted (A; older notation c.2337delA).
Protein change: p.Ala780fs; shifts the reading frame from alanine 780.
Molecular consequence: frameshift variant.
Genome position (GRCh38, 1-based): chr22:20,996,897, A deleted. VCF-style (leftmost placement, unchanged base first): chr22-20996896-CA-C. GRCh37 (hg19) VCF-style: chr22-21351185-CA-C.
Other names: short protein forms A780fs.
Identifiers: ClinVar variation 4859350 (VCV004859350.1).
Genomic context (GRCh38, chr22:20,996,896, plus strand): 5'-CCCACTGAGTGGGTGAAAGGGGCAGCGCCTCAAGGTCCCTGCCATTGCAGATCCTGGAGG[CA>C]GCTGACAAAACGCAGGCACTGGACATGAAGCGGCACTGCCTGCACATCATTGTGCACCAG-3'